The following is an entry in ClinVar:

ClinVar aggregate classification (germline): Uncertain significance. Review status: criteria provided, multiple submitters, no conflicts (2 of 4 stars). 2 submissions from 2 submitters: Uncertain significance (2). Last evaluated 2025-04-24.

Conditions:
Duchenne muscular dystrophy (DMD). Also called: Duchenne Muscular Dystrophy (DMD); MUSCULAR DYSTROPHY, PSEUDOHYPERTROPHIC PROGRESSIVE, DUCHENNE TYPE. Identifiers: Orphanet 98896, MedGen C0013264, MONDO:0010679, OMIM 310200.

Submissions (2):

GeneDx
Classification: Uncertain significance. Last evaluated: 2025-04-24. Review status: criteria provided, single submitter. Criteria: GeneDx Variant Classification Process June 2021. Collection method: clinical testing. Allele origin: germline. Affected: yes.
Comment: Canonical splice site variant predicted to result in a null allele in a gene for which loss of function is a known mechanism of disease; Has not been previously published as pathogenic or benign to our knowledge

Labcorp Genetics (formerly Invitae), Labcorp
Classification: Uncertain significance for Duchenne muscular dystrophy. Last evaluated: 2021-08-12. Review status: criteria provided, single submitter. Criteria: Invitae Variant Classification Sherloc (09022015). Collection method: clinical testing. Allele origin: germline.
Comment: This sequence change affects an acceptor splice site in intron 60 of the DMD gene. It is expected to disrupt RNA splicing. Variants that disrupt the donor or acceptor splice site typically lead to a loss of protein function (PMID: 16199547), and loss-of-function variants in DMD are known to be pathogenic (PMID: 16770791, 25007885). This variant is not present in population databases (ExAC no frequency). This variant has not been reported in the literature in individuals affected with DMD-related conditions. Algorithms developed to predict the effect of sequence changes on RNA splicing suggest that this variant may disrupt the consensus splice site. In summary, the available evidence is currently insufficient to determine the role of this variant in disease. Therefore, it has been classified as a Variant of Uncertain Significance.

Literature cited by the submitters: PubMed 16199547 (cited by Labcorp Genetics (formerly Invitae), Labcorp); PubMed 16770791 (cited by Labcorp Genetics (formerly Invitae), Labcorp); PubMed 25007885 (cited by Labcorp Genetics (formerly Invitae), Labcorp).

NM_004006.3(DMD):c.9085-2A>G

Gene: DMD (dystrophin; minus strand). Cytogenetic location: Xp21.2.
Variant type: single nucleotide variant.
Coding change: c.9085-2A>G on transcript NM_004006.3 (MANE Select); the canonical splice acceptor site of the intron before coding-DNA position 9085, A replaced by G.
Molecular consequence: splice acceptor variant.
Genome position (GRCh38, 1-based): chrX:31,348,636, T>C on the plus strand (A>G on the coding strand, the complement: DMD is on the minus strand). VCF-style: chrX-31348636-T-C. GRCh37 (hg19) VCF-style: chrX-31366753-T-C.
Other names: c.9061-2A>G (NM_000109.4); c.5062-2A>G (NM_004011.4); c.5053-2A>G (NM_004012.4); c.1705-2A>G (NM_004023.3, NM_004020.4, NM_004022.3 and 2 more transcripts); c.898-2A>G (NM_004014.3); c.9073-2A>G (NM_004009.3); c.8716-2A>G (NM_004010.3).
Identifiers: ClinVar variation 856427 (VCV000856427.8), dbSNP rs2058229669, ClinGen allele CA412653823.
Genomic context (GRCh38, chrX:31,348,636, plus strand): 5'-GCTGGACCAAAGTCCCTGTGGGCTTCATGCAGCTGCCTGACTCGGTCCTCGACGGCCACC[T>C]GGGAGGAAAAGGAGAGAAATGATGTTCTCTCATTCTATATAATGAGGAACAATTAAAACA-3'